The following is an entry in ClinVar:

NM_001082486.1(ACD):c.136C>A (p.Arg46Ser)

Genes: ACD (ACD shelterin complex subunit and telomerase recruitment factor; minus strand), LOC130059224 (ATAC-STARR-seq lymphoblastoid silent region 7617; plus strand). Cytogenetic location: 16q22.1.
Variant type: single nucleotide variant.
Coding change: c.136C>A on transcript NM_001082486.1; coding-DNA position 136, C replaced by A.
Protein change: p.Arg46Ser; replaces arginine 46 with serine.
Genome position (GRCh38, 1-based): chr16:67,660,343, G>T on the plus strand (C>A on the coding strand, the complement: ACD is on the minus strand). VCF-style: chr16-67660343-G-T. GRCh37 (hg19) VCF-style: chr16-67694246-G-T.
Other names: short protein forms R46S.
Identifiers: ClinVar variation 2624827 (VCV002624827.2), dbSNP rs751398085, ClinGen allele CA396359639.

ClinVar aggregate classification (germline): Uncertain significance (1 of 4 stars; one submission).

Conditions:
Inborn genetic diseases. Identifiers: MedGen C0950123, MeSH D030342.

Submission:

Ambry Genetics
Classification: Uncertain significance for Inborn genetic diseases. Last evaluated: 2023-08-30. Review status: criteria provided, single submitter. Criteria: Ambry Variant Classification Scheme 2023. Collection method: clinical testing. Allele origin: germline.
Comment: The p.R46S variant (also known as c.136C>A), located in coding exon 1 of the ACD gene, results from a C to A substitution at nucleotide position 136. The arginine at codon 46 is replaced by serine, an amino acid with dissimilar properties. This amino acid position is conserved. In addition, this alteration is predicted to be tolerated by in silico analysis. Since supporting evidence is limited at this time, the clinical significance of this alteration remains unclear.